The following is an entry in ClinVar:

ClinVar aggregate classification (germline): Pathogenic (1 of 4 stars; one submission).

Allele frequency attached by ClinVar (database versions not stated): gnomAD exomes below 0.00001.

Submission:

Labcorp Genetics (formerly Invitae), Labcorp
Classification: Pathogenic. Last evaluated: 2023-10-05. Review status: criteria provided, single submitter. Criteria: Invitae Variant Classification Sherloc (09022015). Collection method: clinical testing. Allele origin: germline.
Comment: This sequence change results in a frameshift in the TYMP gene (p.Ser409Glyfs*?). While this is not anticipated to result in nonsense mediated decay, it is expected to disrupt the last 74 amino acid(s) of the TYMP protein and extend the protein by an uncertain number of additional amino acid residues. This variant is present in population databases (no rsID available, gnomAD 0.003%). This variant has not been reported in the literature in individuals affected with TYMP-related conditions. This variant disrupts a region of the TYMP protein in which other variant(s) (p.Ser471* ) have been determined to be pathogenic (PMID: 17437622). This suggests that this is a clinically significant region of the protein, and that variants that disrupt it are likely to be disease-causing. For these reasons, this variant has been classified as Pathogenic.

Literature cited by the submitters: PubMed 17437622.

NM_001953.5(TYMP):c.1215_1224dup (p.Ser409fs)

Genes: SCO2 (synthesis of cytochrome C oxidase 2; minus strand), TYMP (thymidine phosphorylase; minus strand), LOC130067862 (ATAC-STARR-seq lymphoblastoid silent region 13986; plus strand). Cytogenetic location: 22q13.33.
Variant type: Duplication.
Coding change: c.1215_1224dup on transcript NM_001953.5 (MANE Select); coding-DNA positions 1215 to 1224, 10 bases duplicated (GGCCGGGCGC; older notation c.1215_1224dupGGCCGGGCGC).
Protein change: p.Ser409fs; shifts the reading frame from serine 409.
Molecular consequence: frameshift variant. On other transcripts: 5 prime UTR variant (1), intron variant (1).
Genome position (GRCh38, 1-based): chr22:50,526,077-50,526,086, GCGCCCGGCC duplicated on the plus strand (GGCCGGGCGC on the coding strand, the reverse complement: TYMP is on the minus strand). VCF-style (leftmost placement, unchanged base first): chr22-50526076-T-TGCGCCCGGCC. GRCh37 (hg19) VCF-style: chr22-50964505-T-TGCGCCCGGCC.
Other names: c.1215_1224dup, p.Ser409fs (NM_001113756.3, NM_001257988.1, NM_001113755.3); c.1230_1239dup, p.Ser414fs (NM_001257989.1); c.-99_-90dup (NM_001169110.1); c.-14+160_-14+169dup (NM_001169109.2); short protein forms S409fs, S414fs.
Identifiers: ClinVar variation 2728584 (VCV002728584.3), dbSNP rs1378258435, ClinGen allele CA640357366.